The following is an entry in ClinVar:

NM_024529.5(CDC73):c.897del (p.Gly300fs)

Gene: CDC73 (cell division cycle 73; plus strand). Cytogenetic location: 1q31.2.
Variant type: Deletion.
Coding change: c.897del on transcript NM_024529.5 (MANE Select); coding-DNA position 897, one base deleted (A; older notation c.897delA).
Protein change: p.Gly300fs; shifts the reading frame from glycine 300.
Molecular consequence: frameshift variant.
Genome position (GRCh38, 1-based): chr1:193,150,372, A deleted; the last of 3 consecutive A bases (chr1:193,150,370-193,150,372); deleting any one gives the same sequence. VCF-style (leftmost placement, unchanged base first): chr1-193150369-CA-C. GRCh37 (hg19) VCF-style: chr1-193119499-CA-C.
Other names: short protein forms G300fs.
Identifiers: ClinVar variation 1765311 (VCV001765311.2), dbSNP rs2527341649, ClinGen allele CA2580061737.
Genomic context (GRCh38, chr1:193,150,369, plus strand): 5'-CACTTTGCGCACCAAACAGCCTATCCCAGCTGCCTATAACAGATACGATCAGGAAAGATT[CA>C]AAGGAAAAGAAGGCAAGTTGCTTAATTCTTATCTTCCCCTTAGTGTGGTTGTGTTGAACT-3'

ClinVar aggregate classification (germline): Pathogenic (1 of 4 stars; one submission).

Conditions:
Hereditary cancer-predisposing syndrome. Also called: Neoplastic Syndromes, Hereditary; Tumor predisposition; Hereditary Cancer Syndrome; Hereditary neoplastic syndrome. Identifiers: Orphanet 140162, MedGen C0027672, MeSH D009386, MONDO:0015356.

Submission:

Ambry Genetics
Classification: Pathogenic for Hereditary cancer-predisposing syndrome. Last evaluated: 2021-10-01. Review status: criteria provided, single submitter. Criteria: Ambry Variant Classification Scheme 2023. Collection method: clinical testing. Allele origin: germline.
Comment: The c.897delA pathogenic mutation, located in coding exon 9 of the CDC73 gene, results from a deletion of one nucleotide at nucleotide position 897, causing a translational frameshift with a predicted alternate stop codon (p.G300Efs*19). This variant is considered to be rare based on population cohorts in the Genome Aggregation Database (gnomAD). This alteration is expected to result in loss of function by premature protein truncation or nonsense-mediated mRNA decay. As such, this alteration is interpreted as a disease-causing mutation.